The following is an entry in ClinVar:

NM_000404.4(GLB1):c.838C>T (p.Pro280Ser)

Gene: GLB1 (galactosidase beta 1; minus strand). Cytogenetic location: 3p22.3.
Variant type: single nucleotide variant.
Coding change: c.838C>T on transcript NM_000404.4 (MANE Select); coding-DNA position 838, C replaced by T.
Protein change: p.Pro280Ser; replaces proline 280 with serine.
Molecular consequence: missense variant.
Genome position (GRCh38, 1-based): chr3:33,051,959, G>A on the plus strand (C>T on the coding strand, the complement: GLB1 is on the minus strand). VCF-style: chr3-33051959-G-A. GRCh37 (hg19) VCF-style: chr3-33093451-G-A.
Other names: c.748C>T, p.Pro250Ser (NM_001079811.3); c.445C>T, p.Pro149Ser (NM_001135602.3); c.982C>T, p.Pro328Ser (NM_001317040.2); c.838C>T, p.Pro280Ser (NM_001393580.1); short protein forms P149S, P250S, P328S, P280S.
Identifiers: ClinVar variation 2161836 (VCV002161836.1), dbSNP rs2471375031, ClinGen allele CA352001505.
Genomic context (GRCh38, chr3:33,051,959, plus strand): 5'-CACGGGCAAGTATATCATAGAGGGAGGAAGCCACTGCTTCGGTCTTGATTGTGGAGTGAG[G>A]TTGGCCCCAGTGATCTAGCCAGCCAGTATAGAATTCAGAATTGATCTAAAACAAAAAAAG-3'
Protein context (NP_000395.3, residues 270-290): YTGWLDHWGQ[Pro280Ser]HSTIKTEAVA

ClinVar aggregate classification (germline): Uncertain significance (1 of 4 stars; one submission).

Conditions:
Mucopolysaccharidosis, MPS-IV-B (MPS4B). Also called: Mucopolysaccharidosis type IV B; Mucopolysaccharidosis Type IVB; Mucopolysaccharidosis type IVB (Morquio); MPS IVB; MORQUIO SYNDROME B; Mucopolysaccharidosis Type IVB (Morquio B Disease). Identifiers: Orphanet 309310, Orphanet 582, MedGen C0086652, MONDO:0009660, OMIM 253010.
GM1 gangliosidosis. Identifiers: Orphanet 354, MedGen C0085131, MONDO:0018149.

Submission:

Labcorp Genetics (formerly Invitae), Labcorp
Classification: Uncertain significance for Mucopolysaccharidosis, MPS-IV-B; GM1 gangliosidosis. Last evaluated: 2022-09-27. Review status: criteria provided, single submitter. Criteria: Invitae Variant Classification Sherloc (09022015). Collection method: clinical testing. Allele origin: germline.
Comment: This sequence change replaces proline, which is neutral and non-polar, with serine, which is neutral and polar, at codon 280 of the GLB1 protein (p.Pro280Ser). This variant is not present in population databases (gnomAD no frequency). This variant has not been reported in the literature in individuals affected with GLB1-related conditions. Algorithms developed to predict the effect of missense changes on protein structure and function (SIFT, PolyPhen-2, Align-GVGD) all suggest that this variant is likely to be tolerated. In summary, the available evidence is currently insufficient to determine the role of this variant in disease. Therefore, it has been classified as a Variant of Uncertain Significance.